The following is an entry in ClinVar:

NM_006121.4(KRT1):c.1511-11T>C

Gene: KRT1 (keratin 1; minus strand). Cytogenetic location: 12q13.13.
Variant type: single nucleotide variant.
Coding change: c.1511-11T>C on transcript NM_006121.4 (MANE Select); 11 bases into the intron before coding-DNA position 1511, T replaced by C.
Molecular consequence: intron variant.
Genome position (GRCh38, 1-based): chr12:52,675,628, A>G on the plus strand (T>C on the coding strand, the complement: KRT1 is on the minus strand). VCF-style: chr12-52675628-A-G. GRCh37 (hg19) VCF-style: chr12-53069412-A-G.
Identifiers: ClinVar variation 881514 (VCV000881514.5), dbSNP rs201036490, ClinGen allele CA6586120.

ClinVar aggregate classification (germline): Benign/Likely benign. Review status: criteria provided, multiple submitters, no conflicts (2 of 4 stars). 3 submissions from 2 submitters: Benign (1); Likely benign (2). Last evaluated 2025-03-07.

Conditions:
Diffuse nonepidermolytic palmoplantar keratoderma (NEPPK). Also called: Nonepidermolytic palmoplantar keratoderma; Nonepidermolytic palmoplantar hyperkeratosis. Identifiers: Orphanet 530838, MedGen C1833030, MONDO:0010962, OMIM 600962, HP:0007404.
Epidermolytic ichthyosis. Also called: KRT10-Related Epidermolytic Hyperkeratosis; Bullous ichthyosiform erythroderma; Epidermolytic Hyperkeratosis; Congenital bullous ichthyosiform erythroderma. Identifiers: Orphanet 312, MedGen C0079153, MONDO:0007239, HP:0007475.

Allele frequency attached by ClinVar (database versions not stated): gnomAD exomes 0.00001 and 0.00002; ExAC 0.00002; gnomAD 0.00012 and 0.00013; TOPMed 0.00022; 1000 Genomes Project 30x 0.00031; 1000 Genomes Project 0.00040.
gnomAD v4.1: 36 of 1,614,154 alleles (0.0022%); highest among the groups gnomAD compares: Admixed American, 0.04%; no homozygotes.

Submissions (3):

Labcorp Genetics (formerly Invitae), Labcorp
Classification: Likely benign. Last evaluated: 2025-03-07. Review status: criteria provided, single submitter. Criteria: Invitae Variant Classification Sherloc (09022015). Collection method: clinical testing. Allele origin: germline.

Illumina Laboratory Services, Illumina
Classification: Likely benign for Diffuse nonepidermolytic palmoplantar keratoderma. Last evaluated: 2018-03-06. Review status: criteria provided, single submitter. Criteria: ICSL Variant Classification Criteria 13 December 2019. Collection method: clinical testing. Allele origin: germline.
Comment: This variant was observed in the ICSL laboratory as part of a predisposition screen in an ostensibly healthy population. It had not been previously curated by ICSL or reported in the Human Gene Mutation Database (HGMD: prior to June 1st, 2018), and was therefore a candidate for classification through an automated scoring system. Utilizing variant allele frequency, disease prevalence and penetrance estimates, and inheritance mode, an automated score was calculated to assess if this variant is too frequent to cause the disease. Based on the score and internal cut-off values, a variant classified as likely benign is not then subjected to further curation. The score for this variant resulted in a classification of likely benign for this disease.

Illumina Laboratory Services, Illumina
Classification: Benign for Epidermolytic hyperkeratosis 1. Last evaluated: 2018-03-06. Review status: criteria provided, single submitter. Criteria: ICSL Variant Classification Criteria 13 December 2019. Collection method: clinical testing. Allele origin: germline.
Comment: This variant was observed in the ICSL laboratory as part of a predisposition screen in an ostensibly healthy population. It had not been previously curated by ICSL or reported in the Human Gene Mutation Database (HGMD: prior to June 1st, 2018), and was therefore a candidate for classification through an automated scoring system. Utilizing variant allele frequency, disease prevalence and penetrance estimates, and inheritance mode, an automated score was calculated to assess if this variant is too frequent to cause the disease. Based on the score and internal cut-off values, a variant classified as benign is not then subjected to further curation. The score for this variant resulted in a classification of benign for this disease.